The following is an entry in ClinVar:

ClinVar aggregate classification (germline): Conflicting classifications of pathogenicity. Review status: criteria provided, conflicting classifications (1 of 4 stars). 16 submissions from 12 submitters: Uncertain significance (3); Benign (6); Likely benign (6). 1 of the submissions does not count toward it. Last evaluated 2026-02-04.

Conditions:
TTN-related disorder. Also called: TTN-related condition; TTN-related disease; TTN-related disorders.
Cardiovascular phenotype. Identifiers: MedGen CN230736.
Dilated cardiomyopathy 1G (CMD1G). Identifiers: Orphanet 154, MedGen C1858763, MONDO:0011400, OMIM 604145.
Autosomal recessive limb-girdle muscular dystrophy type 2J (LGMDR10). Also called: Limb-girdle muscular dystrophy, type 2J; MUSCULAR DYSTROPHY, LIMB-GIRDLE, AUTOSOMAL RECESSIVE 10. Identifiers: Orphanet 140922, MedGen C1837342, MONDO:0012127, OMIM 608807.
Cardiomyopathy (CMYO). Also called: Cardiomyopathies. Identifiers: Orphanet 167848, MedGen C0878544, MONDO:0004994, HP:0001638. Inheritance: Various modes of inheritance.
Myopathy, myofibrillar, 9, with early respiratory failure (MFM9). Also called: EDSTROM MYOPATHY; MYOPATHY, PROXIMAL, WITH EARLY RESPIRATORY MUSCLE INVOLVEMENT; Hereditary myopathy with early respiratory failure; Myopathy, distal, with early respiratory failure, autosomal dominant. Identifiers: Orphanet 178464, Orphanet 34521, MedGen C1863599, MONDO:0011362, OMIM 603689.
Tibial muscular dystrophy (TMD). Also called: Udd Distal Myopathy – Tibial Muscular Dystrophy; Tibial muscular dystrophy, tardive; UDD MYOPATHY. Identifiers: Orphanet 609, MedGen C1838244, MONDO:0010870, OMIM 600334.
Early-onset myopathy with fatal cardiomyopathy (CMYO5). Also called: CONGENITAL MYOPATHY 5 WITH CARDIOMYOPATHY; Salih Myopathy. Identifiers: Orphanet 289377, MedGen C2673677, MONDO:0012714, OMIM 611705. Disease mechanism: loss of function.

Allele frequency attached by ClinVar (database versions not stated): gnomAD 0.00014 and 0.00018; TOPMed 0.00029; 1000 Genomes Project 0.00060; 1000 Genomes Project 30x 0.00062.
gnomAD v4.1: 214 of 1,613,508 alleles (0.013%); highest among the groups gnomAD compares: East Asian, 0.42%; 1 homozygote.

Submissions (16):

Labcorp Genetics (formerly Invitae), Labcorp
Classification: Benign for Dilated cardiomyopathy 1G; Autosomal recessive limb-girdle muscular dystrophy type 2J. Last evaluated: 2026-02-04. Review status: criteria provided, single submitter. Criteria: Invitae Variant Classification Sherloc (09022015). Collection method: clinical testing. Allele origin: germline.

CeGaT Center for Human Genetics Tuebingen
Classification: Likely benign. Last evaluated: 2026-02-01. Review status: criteria provided, single submitter. Criteria: CeGaT Center For Human Genetics Tuebingen Variant Classification Criteria Version 2. Collection method: clinical testing. Allele origin: germline. Affected: yes. Observed: 1 variant allele.
Comment: TTN: BP4

Blueprint Genetics
Classification: Benign. Last evaluated: 2024-06-25. Review status: criteria provided, single submitter. Criteria: ACMG Guidelines, 2015. Collection method: clinical testing. Allele origin: germline.

ARUP Laboratories, Molecular Genetics and Genomics, ARUP Laboratories
Classification: Likely benign. Last evaluated: 2024-03-11. Review status: criteria provided, single submitter. Criteria: ARUP Molecular Germline Variant Investigation Process 2024. Collection method: clinical testing. Allele origin: germline.

Athena Diagnostics
Classification: Benign. Last evaluated: 2021-06-07. Review status: criteria provided, single submitter. Criteria: Athena Diagnostics criteria. Collection method: clinical testing. Allele origin: unknown.

GeneDx
Classification: Likely benign. Last evaluated: 2021-01-12. Review status: criteria provided, single submitter. Criteria: GeneDx Variant Classification Process June 2021. Collection method: clinical testing. Allele origin: germline. Affected: yes.

Ambry Genetics
Classification: Likely benign for Cardiovascular phenotype. Last evaluated: 2018-09-14. Review status: criteria provided, single submitter. Criteria: Ambry Variant Classification Scheme 2023. Collection method: clinical testing. Allele origin: germline.

Eurofins Ntd Llc (ga)
Classification: Likely benign. Last evaluated: 2018-09-14. Review status: criteria provided, single submitter. Criteria: EGL ClinVar v180209 classification definitions. Collection method: clinical testing. Allele origin: germline. Observed: 2 variant alleles, 2 heterozygotes.

Illumina Laboratory Services, Illumina
Classification: Uncertain significance for Dilated cardiomyopathy 1G. Last evaluated: 2018-01-13. Review status: criteria provided, single submitter. Criteria: ICSL Variant Classification Criteria 13 December 2019. Collection method: clinical testing. Allele origin: germline.

Illumina Laboratory Services, Illumina
Classification: Benign for Myopathy, myofibrillar, 9, with early respiratory failure. Last evaluated: 2018-01-13. Review status: criteria provided, single submitter. Criteria: ICSL Variant Classification Criteria 13 December 2019. Collection method: clinical testing. Allele origin: germline.
Comment: This variant was observed in the ICSL laboratory as part of a predisposition screen in an ostensibly healthy population. It had not been previously curated by ICSL or reported in the Human Gene Mutation Database (HGMD: prior to June 1st, 2018), and was therefore a candidate for classification through an automated scoring system. Utilizing variant allele frequency, disease prevalence and penetrance estimates, and inheritance mode, an automated score was calculated to assess if this variant is too frequent to cause the disease. Based on the score and internal cut-off values, a variant classified as benign is not then subjected to further curation. The score for this variant resulted in a classification of benign for this disease.

Illumina Laboratory Services, Illumina
Classification: Uncertain significance for Autosomal recessive limb-girdle muscular dystrophy type 2J. Last evaluated: 2018-01-13. Review status: criteria provided, single submitter. Criteria: ICSL Variant Classification Criteria 13 December 2019. Collection method: clinical testing. Allele origin: germline.

Illumina Laboratory Services, Illumina
Classification: Benign for Tibial muscular dystrophy. Last evaluated: 2018-01-13. Review status: criteria provided, single submitter. Criteria: ICSL Variant Classification Criteria 13 December 2019. Collection method: clinical testing. Allele origin: germline.
Comment: the same text as in the submission from Illumina Laboratory Services, Illumina above.

Illumina Laboratory Services, Illumina
Classification: Uncertain significance for Early-onset myopathy with fatal cardiomyopathy. Last evaluated: 2018-01-13. Review status: criteria provided, single submitter. Criteria: ICSL Variant Classification Criteria 13 December 2019. Collection method: clinical testing. Allele origin: germline.

CHEO Genetics Diagnostic Laboratory, Children's Hospital of Eastern Ontario
Classification: Benign for Cardiomyopathy. Last evaluated: 2018-01-12. Review status: criteria provided, single submitter. Criteria: ACMG Guidelines, 2015. Collection method: clinical testing. Allele origin: germline.

Laboratory for Molecular Medicine, Mass General Brigham Personalized Medicine
Classification: Likely benign. Last evaluated: 2014-03-10. Review status: criteria provided, single submitter. Criteria: LMM Criteria. Collection method: clinical testing. Allele origin: germline. Observed: 1 variant allele.
Comment: Glu24137Asp in exon 275 of TTN: This variant is not expected to have clinical si gnificance due to a lack of conservation across species, including mammals. Of n ote, 4 mammals (antelope, cow, sheep, goat) have an aspartic acid (Asp) at this position despite high nearby amino acid conservation.

PreventionGenetics, part of Exact Sciences
Classification: Likely benign for TTN-related condition. Last evaluated: 2020-03-09. Review status: no assertion criteria provided. Collection method: clinical testing. Allele origin: germline. Not counted in ClinVar's aggregate classification.
Comment: This variant is classified as likely benign based on ACMG/AMP sequence variant interpretation guidelines (Richards et al. 2015 PMID: 25741868, with internal and published modifications).

Literature cited by the submitters: PubMed 28403181 (cited by Athena Diagnostics).

NM_001267550.2(TTN):c.80115G>T (p.Glu26705Asp)

Genes: TTN (titin; minus strand), TTN-AS1 (TTN antisense RNA 1; plus strand). Cytogenetic location: 2q31.2.
Variant type: single nucleotide variant.
Coding change: c.80115G>T on transcript NM_001267550.2 (MANE Select); coding-DNA position 80115, G replaced by T.
Protein change: p.Glu26705Asp; replaces glutamic acid 26705 with aspartic acid.
Molecular consequence: missense variant.
Genome position (GRCh38, 1-based): chr2:178,566,017, C>A on the plus strand (G>T on the coding strand, the complement: TTN is on the minus strand). VCF-style: chr2-178566017-C-A. GRCh37 (hg19) VCF-style: chr2-179430744-C-A.
Other names: c.75192G>T, p.Glu25064Asp (NM_001256850.1); c.72411G>T, p.Glu24137Asp (NM_133378.4); c.52920G>T, p.Glu17640Asp (NM_003319.4); c.53295G>T, p.Glu17765Asp (NM_133432.3); c.53496G>T, p.Glu17832Asp (NM_133437.4); c.80115G>T (NM_001267550.1); short protein forms E24137D, E26705D, E25064D, E17832D, E17640D, E17765D.
Identifiers: ClinVar variation 179544 (VCV000179544.43), dbSNP rs558830502, ClinGen allele CA346130.